The following is an entry in ClinVar:

NM_052859.4(RFT1):c.47C>G (p.Ser16Cys)

Genes: RFT1 (RFT1 glycolipid translocator homolog; minus strand), LOC129936883 (ATAC-STARR-seq lymphoblastoid active region 19954; plus strand). Cytogenetic location: 3p21.1.
Variant type: single nucleotide variant.
Coding change: c.47C>G on transcript NM_052859.4 (MANE Select); coding-DNA position 47, C replaced by G.
Protein change: p.Ser16Cys; replaces serine 16 with cysteine.
Molecular consequence: missense variant.
Genome position (GRCh38, 1-based): chr3:53,130,354, G>C on the plus strand (C>G on the coding strand, the complement: RFT1 is on the minus strand). VCF-style: chr3-53130354-G-C. GRCh37 (hg19) VCF-style: chr3-53164370-G-C.
Other names: short protein forms S16C.
Identifiers: ClinVar variation 346201 (VCV000346201.14), dbSNP rs148716754, ClinGen allele CA2451580.

ClinVar aggregate classification (germline): Conflicting classifications of pathogenicity. Review status: criteria provided, conflicting classifications (1 of 4 stars). 3 submissions from 3 submitters: Uncertain significance (2); Likely benign (1). Last evaluated 2026-01-12.

Conditions:
RFT1-congenital disorder of glycosylation (CDG1N). Also called: CDG In; RFT1-CDG; Congenital disorder of glycosylation type In. Identifiers: Orphanet 244310, MedGen C2677590, MONDO:0012783, OMIM 612015.

Allele frequency attached by ClinVar (database versions not stated): ESP Exome Variant Server 0.00047; gnomAD 0.00056 and 0.00058; TOPMed 0.00059.
gnomAD v4.1: 1,624 of 1,568,914 alleles (0.1%); highest among the groups gnomAD compares: Non-Finnish European, 0.13%; 2 homozygotes.

Submissions (3):

Labcorp Genetics (formerly Invitae), Labcorp
Classification: Likely benign for RFT1-congenital disorder of glycosylation. Last evaluated: 2026-01-12. Review status: criteria provided, single submitter. Criteria: Invitae Variant Classification Sherloc (09022015). Collection method: clinical testing. Allele origin: germline.

GeneDx
Classification: Uncertain significance. Last evaluated: 2022-02-22. Review status: criteria provided, single submitter. Criteria: GeneDx Variant Classification Process June 2021. Collection method: clinical testing. Allele origin: germline. Affected: yes.
Comment: In silico analysis supports that this missense variant does not alter protein structure/function; This variant is associated with the following publications: (PMID: 31780880)

Illumina Laboratory Services, Illumina
Classification: Uncertain significance for RFT1-congenital disorder of glycosylation. Last evaluated: 2018-01-13. Review status: criteria provided, single submitter. Criteria: ICSL Variant Classification Criteria 13 December 2019. Collection method: clinical testing. Allele origin: germline.